The following is an entry in ClinVar:

NM_000551.4(VHL):c.487C>A (p.Leu163Ile)

Genes: VHL (von Hippel-Lindau tumor suppressor; plus strand), LOC107303340 (3p25 von Hippel-Lindau tumor suppressor, E3 ubiquitin protein ligase Alu-mediated recombination region; plus strand). Cytogenetic location: 3p25.3.
Variant type: single nucleotide variant.
Coding change: c.487C>A on transcript NM_000551.4 (MANE Select); coding-DNA position 487, C replaced by A.
Protein change: p.Leu163Ile; replaces leucine 163 with isoleucine.
Molecular consequence: missense variant. On other transcripts: 3 prime UTR variant (1).
Genome position (GRCh38, 1-based): chr3:10,149,810, C>A. VCF-style: chr3-10149810-C-A. GRCh37 (hg19) VCF-style: chr3-10191494-C-A.
Other names: c.*41C>A (NM_001354723.2); c.364C>A, p.Leu122Ile (NM_198156.3); short protein forms L122I, L163I.
Identifiers: ClinVar variation 1743762 (VCV001743762.6), dbSNP rs1553620318, ClinGen allele CA351756131.

ClinVar aggregate classification (germline): Conflicting classifications of pathogenicity. Review status: criteria provided, conflicting classifications (1 of 4 stars). 3 submissions from 3 submitters: Likely pathogenic (2); Uncertain significance (1). Last evaluated 2023-11-06.

Conditions:
Hereditary cancer-predisposing syndrome. Also called: Neoplastic Syndromes, Hereditary; Tumor predisposition; Hereditary Cancer Syndrome; Hereditary neoplastic syndrome. Identifiers: Orphanet 140162, MedGen C0027672, MeSH D009386, MONDO:0015356.
Von Hippel-Lindau syndrome (VHLS). Also called: von Hippel–Lindau syndrome; VHL syndrome; Von Hippel-Lindau. Identifiers: Orphanet 892, MedGen C0019562, MONDO:0008667, OMIM 193300. Disease mechanism: loss of function.
Chuvash polycythemia. Also called: POLYCYTHEMIA, VHL-DEPENDENT. Identifiers: Orphanet 238557, MedGen C1837915, MONDO:0009892, OMIM 263400.

Allele frequency attached by ClinVar (database versions not stated): gnomAD exomes below 0.00001.
gnomAD v4.1: 1 of 1,614,190 alleles (0.000062%); highest among the groups gnomAD compares: Non-Finnish European, 0.000085%; no homozygotes.

Submissions (3):

Labcorp Genetics (formerly Invitae), Labcorp
Classification: Likely pathogenic for Von Hippel-Lindau syndrome; Chuvash polycythemia. Last evaluated: 2023-11-06. Review status: criteria provided, single submitter. Criteria: Invitae Variant Classification Sherloc (09022015). Collection method: clinical testing. Allele origin: germline.
Comment: This sequence change replaces leucine, which is neutral and non-polar, with isoleucine, which is neutral and non-polar, at codon 163 of the VHL protein (p.Leu163Ile). This variant is not present in population databases (gnomAD no frequency). This variant has not been reported in the literature in individuals affected with VHL-related conditions. ClinVar contains an entry for this variant (Variation ID: 1743762). Advanced modeling of protein sequence and biophysical properties (such as structural, functional, and spatial information, amino acid conservation, physicochemical variation, residue mobility, and thermodynamic stability) performed at Invitae indicates that this missense variant is expected to disrupt VHL protein function with a positive predictive value of 95%. This variant disrupts the p.Leu163 amino acid residue in VHL. Other variant(s) that disrupt this residue have been determined to be pathogenic (PMID: 7728151, 15607616, 19270817). This suggests that this residue is clinically significant, and that variants that disrupt this residue are likely to be disease-causing. In summary, the currently available evidence indicates that the variant is pathogenic, but additional data are needed to prove that conclusively. Therefore, this variant has been classified as Likely Pathogenic.

Institute for Genomic Medicine (IGM) Clinical Laboratory, Nationwide Children's Hospital
Classification: Likely pathogenic for Von Hippel-Lindau syndrome. Last evaluated: 2023-07-10. Review status: criteria provided, single submitter. Criteria: ACMG Guidelines, 2015. Collection method: clinical testing. Allele origin: germline.
Comment: This variant is located in a mutational hot spot and/or critical and well-established functional domain (ACMG/AMP: PM1). This variant is absent from or present at an exceedingly low frequency in gnomAD, a large-scale control population database (ACMG/AMP: PM2). A different substitution at this amino acid position has been reported as pathogenic (ACMG/AMP: PM5). This variant is predicted to alter protein function or structure, or disrupt splicing by multiple in silico tools (ACMG/AMP: PP3).

Ambry Genetics
Classification: Uncertain significance for Hereditary cancer-predisposing syndrome. Last evaluated: 2020-01-07. Review status: criteria provided, single submitter. Criteria: Ambry Variant Classification Scheme 2023. Collection method: clinical testing. Allele origin: germline.
Comment: The p.L163I variant (also known as c.487C>A), located in coding exon 3 of the VHL gene, results from a C to A substitution at nucleotide position 487. The leucine at codon 163 is replaced by isoleucine, an amino acid with highly similar properties. This amino acid position is highly conserved in available vertebrate species. In addition, the in silico prediction for this alteration is inconclusive. Since supporting evidence is limited at this time, the clinical significance of this alteration remains unclear.

Literature cited by the submitters: PubMed 7728151 (cited by Labcorp Genetics (formerly Invitae), Labcorp); PubMed 15607616 (cited by Labcorp Genetics (formerly Invitae), Labcorp); PubMed 19270817 (cited by Labcorp Genetics (formerly Invitae), Labcorp).